The following is an entry in ClinVar:

NM_001395426.1(PDE4DIP):c.1350C>T (p.His450=)

Gene: PDE4DIP (phosphodiesterase 4D interacting protein; plus strand). Cytogenetic location: 1q21.2.
Variant type: single nucleotide variant.
Coding change: c.1350C>T on transcript NM_001395426.1 (MANE Select); coding-DNA position 1350, C replaced by T.
Protein change: p.His450=; no amino-acid change (histidine 450 retained).
Molecular consequence: synonymous variant.
Genome position (GRCh38, 1-based): chr1:148,962,598, C>T. VCF-style: chr1-148962598-C-T. GRCh37 (hg19) VCF-style: chr1-144921877-G-A.
Other names: c.1641C>T, p.His547= (NM_001002811.3, NM_001350520.2, NM_001395297.1 and 4 more transcripts); c.1152C>T, p.His384= (NM_001002812.4, NM_001198834.5, NM_014644.7); c.1350C>T, p.His450= (NM_001198832.4, NM_001350522.3, NM_001350523.3 and 11 more transcripts); c.1563C>T, p.His521= (NM_001350521.4, NM_001377392.2, NM_001395298.1 and 4 more transcripts); c.1452C>T, p.His484= (NM_001395300.1, NM_001395302.1); c.1239C>T, p.His413= (NM_001395313.1, NM_001395321.1); c.1302C>T, p.His434= (NM_001395319.1); c.1056C>T, p.His352= (NM_001395322.1); and 1 more.
Identifiers: ClinVar variation 2639074 (VCV002639074.24), dbSNP rs151144469, ClinGen allele CA1047577.
Genomic context (GRCh38, chr1:148,962,598, plus strand): 5'-GAAAGAGCGCCAACTGGCTGATGCCAAACAATGTGTGCAATTTGTAGAGGCTGCAGCACA[C>T]GAGAGTGAACAGCAGAAAGAGGCTTCTTGGAAACATAACCAGGTAAATCATTAACTATTT-3'
Protein context (NP_001382355.1, residues 440-460): QCVQFVEAAA[His450=]ESEQQKEASW

ClinVar aggregate classification (germline): Likely benign (1 of 4 stars; one submission).

Allele frequency attached by ClinVar (database versions not stated): gnomAD exomes 0.00002; gnomAD 0.00006; 1000 Genomes Project 0.00240; ESP Exome Variant Server 0.00554; ExAC 0.00691.
gnomAD v4.1: 20 of 595,056 alleles (0.0034%); highest among the groups gnomAD compares: East Asian, 0.0081%; no homozygotes.

Submission:

CeGaT Center for Human Genetics Tuebingen
Classification: Likely benign. Last evaluated: 2022-11-01. Review status: criteria provided, single submitter. Criteria: CeGaT Center For Human Genetics Tuebingen Variant Classification Criteria Version 2. Collection method: clinical testing. Allele origin: germline. Affected: yes. Observed: 2 variant alleles.
Comment: PDE4DIP: BP4, BP7, BS2